The following is an entry in ClinVar:

ClinVar aggregate classification (germline): Likely pathogenic (1 of 4 stars; one submission).

Conditions:
3 beta-Hydroxysteroid dehydrogenase deficiency. Also called: 3b-hydroxysteroid dehydrogenase deficiency; ADRENAL HYPERPLASIA, CONGENITAL, DUE TO 3-BETA-HYDROXYSTEROID DEHYDROGENASE 2 DEFICIENCY; Congenital adrenal hyperplasia due to 3-beta-hydroxysteroid dehydrogenase deficiency; 3-BETA-HSD DEFICIENCY; ADRENAL HYPERPLASIA II. Identifiers: Orphanet 90791, MedGen C0342471, MeSH C538236, MONDO:0008727, OMIM 201810. Disease mechanism: loss of function.

gnomAD v4.1: 17 of 1,613,736 alleles (0.0011%); highest among the groups gnomAD compares: Non-Finnish European, 0.0014%; no homozygotes.

Submission:

Natera, Inc.
Classification: Likely pathogenic for 3 beta hydroxysteroid dehydrogenase deficiency. Last evaluated: 2024-06-27. Review status: criteria provided, single submitter. Criteria: Natera Variant Classification Schema (03/2026). Collection method: clinical testing. Allele origin: germline.
Comment: The c.1119A>G variant in HSD3B2 is a stop-loss variant predicted to disrupt the normal termination codon and extend translation beyond the canonical stop site. This variant is rare in the general population with a frequency below the threshold expected for the associated phenotype(s). Given the available evidence, this variant is classified as Likely Pathogenic.

NM_000198.4(HSD3B2):c.1119A>G (p.Ter373Trp)

Gene: HSD3B2 (hydroxy-delta-5-steroid dehydrogenase, 3 beta- and steroid delta-isomerase 2; plus strand). Cytogenetic location: 1p12.
Variant type: single nucleotide variant.
Coding change: c.1119A>G on transcript NM_000198.4 (MANE Select); coding-DNA position 1119, A replaced by G.
Protein change: p.Ter373Trp.
Molecular consequence: stop lost.
Genome position (GRCh38, 1-based): chr1:119,422,620, A>G. VCF-style: chr1-119422620-A-G. GRCh37 (hg19) VCF-style: chr1-119965243-A-G.
Other names: c.1119A>G, p.Ter373Trp (NM_001166120.2).
Identifiers: ClinVar variation 4817893 (VCV004817893.1).